The following is an entry in ClinVar:

ClinVar aggregate classification (germline): Benign/Likely benign. Review status: criteria provided, multiple submitters, no conflicts (2 of 4 stars). 7 submissions from 7 submitters: Benign (4); Likely benign (2). 1 of the submissions does not count toward it. Last evaluated 2026-02-01.

Conditions:
Inborn genetic diseases. Identifiers: MedGen C0950123, MeSH D030342.
MFF-related disorder. Also called: MFF-related condition.

Allele frequency attached by ClinVar (database versions not stated): gnomAD exomes 0.12623 and 0.14022; ExAC 0.12795; 1000 Genomes Project 0.13059; 1000 Genomes Project 30x 0.13429; gnomAD 0.15600 and 0.16025; TOPMed 0.16048; ESP Exome Variant Server 0.17184.
gnomAD v4.1: 228,139 of 1,609,994 alleles (14%); highest among the groups gnomAD compares: African/African-American, 21%; 15,125 homozygotes.

Submissions (7):

Labcorp Genetics (formerly Invitae), Labcorp
Classification: Benign. Last evaluated: 2026-02-01. Review status: criteria provided, single submitter. Criteria: Invitae Variant Classification Sherloc (09022015). Collection method: clinical testing. Allele origin: germline.

Ambry Genetics
Classification: Likely benign for Inborn genetic diseases. Last evaluated: 2025-01-21. Review status: criteria provided, single submitter. Criteria: Ambry Variant Classification Scheme 2023. Collection method: clinical testing. Allele origin: germline.

Blueprint Genetics
Classification: Likely benign. Last evaluated: 2024-11-26. Review status: criteria provided, single submitter. Criteria: ACMG Guidelines, 2015. Collection method: clinical testing. Allele origin: germline.

Mayo Clinic Laboratories, Mayo Clinic
Classification: Benign. Last evaluated: 2024-03-19. Review status: criteria provided, single submitter. Criteria: ACMG Guidelines, 2015. Collection method: clinical testing. Allele origin: germline. Observed: 71 variant alleles.
Comment: BA1, BP4, BP7

GeneDx
Classification: Benign. Last evaluated: 2015-12-16. Review status: criteria provided, single submitter. Criteria: GeneDx Variant Classification (06012015). Collection method: clinical testing. Allele origin: germline. Affected: yes.
Comment: This variant is considered likely benign or benign based on one or more of the following criteria: it is a conservative change, it occurs at a poorly conserved position in the protein, it is predicted to be benign by multiple in silico algorithms, and/or has population frequency not consistent with disease.

Breakthrough Genomics
Classification: Benign. Review status: criteria provided, single submitter. Criteria: ACMG Guidelines, 2015. Collection method: not provided. Allele origin: germline. Inheritance: Autosomal recessive inheritance. Affected: yes.

PreventionGenetics, part of Exact Sciences
Classification: Benign for MFF-related condition. Last evaluated: 2019-11-11. Review status: no assertion criteria provided. Collection method: clinical testing. Allele origin: germline. Not counted in ClinVar's aggregate classification.
Comment: This variant is classified as benign based on ACMG/AMP sequence variant interpretation guidelines (Richards et al. 2015 PMID: 25741868, with internal and published modifications).

NM_001277062.2(MFF):c.768A>G (p.Leu256=)

Gene: MFF (mitochondrial fission factor; plus strand). Cytogenetic location: 2q36.3.
Variant type: single nucleotide variant.
Coding change: c.768A>G on transcript NM_001277062.2 (MANE Select); coding-DNA position 768, A replaced by G.
Protein change: p.Leu256=; no amino-acid change (leucine 256 retained).
Molecular consequence: synonymous variant. On other transcripts: non-coding transcript variant (1).
Genome position (GRCh38, 1-based): chr2:227,357,009, A>G. VCF-style: chr2-227357009-A-G. GRCh37 (hg19) VCF-style: chr2-228221725-A-G.
Other names: p.Leu307=; c.921A>G (NM_020194.4); c.921A>G, p.Leu307= (NM_001277061.2, NM_020194.5); c.624A>G, p.Leu208= (NM_001277063.2); c.609A>G, p.Leu203= (NM_001277064.2); c.549A>G, p.Leu183= (NM_001277065.2, NM_001277066.2); c.558A>G, p.Leu186= (NM_001277067.1); c.651A>G, p.Leu217= (NM_001277068.1).
Identifiers: ClinVar variation 380073 (VCV000380073.15), dbSNP rs4844, ClinGen allele CA2148095.